The following is an entry in ClinVar:

NM_178014.4(TUBB):c.443G>C (p.Gly148Ala)

Gene: TUBB (tubulin beta class I; plus strand). Cytogenetic location: 6p21.33.
Variant type: single nucleotide variant.
Coding change: c.443G>C on transcript NM_178014.4 (MANE Select); coding-DNA position 443, G replaced by C.
Protein change: p.Gly148Ala; replaces glycine 148 with alanine.
Molecular consequence: missense variant. On other transcripts: intron variant (1).
Genome position (GRCh38, 1-based): chr6:30,723,505, G>C. VCF-style: chr6-30723505-G-C. GRCh37 (hg19) VCF-style: chr6-30691282-G-C.
Other names: c.503G>C, p.Gly168Ala (NM_001293212.2); c.311G>C, p.Gly104Ala (NM_001293214.2); c.227G>C, p.Gly76Ala (NM_001293215.2, NM_001293216.2); c.369+74G>C (NM_001293213.2); short protein forms G104A, G148A, G168A, G76A.
Identifiers: ClinVar variation 2572464 (VCV002572464.1), dbSNP rs2536607260, ClinGen allele CA363145617.
Genomic context (GRCh38, chr6:30,723,505, plus strand): 5'-ACTGCCTGCAGGGCTTCCAGCTGACCCACTCACTGGGCGGGGGCACAGGCTCTGGAATGG[G>C]CACTCTCCTTATCAGCAAGATCCGAGAAGAATACCCTGATCGCATCATGAATACCTTCAG-3'
Protein context (NP_821133.1, residues 138-158): SLGGGTGSGM[Gly148Ala]TLLISKIREE

ClinVar aggregate classification (germline): Uncertain significance (1 of 4 stars; one submission).

Conditions:
Complex cortical dysplasia with other brain malformations 6. Identifiers: MedGen C4014283, MONDO:0014341, OMIM 615771.

Submission:

3billion
Classification: Uncertain significance for Complex cortical dysplasia with other brain malformations 6. Review status: criteria provided, single submitter. Criteria: ACMG Guidelines, 2015. Collection method: clinical testing. Allele origin: unknown. Affected: yes. Observed: 1 heterozygote.
Comment: The variant is not observed in the gnomAD v2.1.1 dataset. Missense changes are a common disease-causing mechanism. In silico tool predictions suggest damaging effect of the variant on gene or gene product (REVEL: 0.76; 3Cnet: 0.80). Therefore, this variant is classified as Uncertain significance according to the recommendation of ACMG/AMP guideline.